The following is an entry in ClinVar:

ClinVar aggregate classification (germline): Likely benign (1 of 4 stars; one submission).

Conditions:
Hereditary spastic paraplegia 48. Also called: SPASTIC PARAPLEGIA 48, AUTOSOMAL RECESSIVE; Spastic paraplegia 48. Identifiers: Orphanet 306511, MedGen C3150901, MONDO:0013342, OMIM 613647.

Allele frequency attached by ClinVar (database versions not stated): gnomAD 0.05972 and 0.06387; TOPMed 0.06723; 1000 Genomes Project 0.07029; 1000 Genomes Project 30x 0.07386.

Submission:

Illumina Laboratory Services, Illumina
Classification: Likely benign for Hereditary spastic paraplegia 48. Last evaluated: 2017-04-27. Review status: criteria provided, single submitter. Criteria: ICSL Variant Classification Criteria 13 December 2019. Collection method: clinical testing. Allele origin: germline.
Comment: This variant was observed as part of a predisposition screen in an ostensibly healthy population. A literature search was performed for the gene, cDNA change, and amino acid change (where applicable). No publications were found based on this search. Allele frequency data from public databases allowed determination this variant is unlikely to cause disease. Therefore, this variant is classified as likely benign.

NM_014855.3(AP5Z1):c.*1355G>A

Gene: AP5Z1 (adaptor related protein complex 5 subunit zeta 1; plus strand). Cytogenetic location: 7p22.1.
Variant type: single nucleotide variant.
Coding change: c.*1355G>A on transcript NM_014855.3 (MANE Select); 1355 bases downstream of the stop codon, G replaced by A.
Molecular consequence: 3 prime UTR variant. On other transcripts: non-coding transcript variant (1).
Genome position (GRCh38, 1-based): chr7:4,792,740, G>A. VCF-style: chr7-4792740-G-A. GRCh37 (hg19) VCF-style: chr7-4832371-G-A.
Other names: c.*1355G>A (LRG_1247t1, NM_001364858.1).
Identifiers: ClinVar variation 360380 (VCV000360380.5), dbSNP rs6967542, ClinGen allele CA10629186.
Genomic context (GRCh38, chr7:4,792,740, plus strand): 5'-CGCTGAGCCGGGGCCGCAGGAAAGGCTGGCGCTGGCAGGCGCTTCCGTCGGCAGCACTGT[G>A]TTTGTGTTTCCACGTGGAAACAGCAGCGCACGTGTACAACTGTGCATACCAAGGCGTGCG-3'